The following is an entry in ClinVar:

ClinVar aggregate classification (germline): Likely benign (0 of 4 stars; one submission).

Conditions:
ISG15-related disorder. Also called: ISG15-related condition.

Allele frequency attached by ClinVar (database versions not stated): gnomAD 0.00001; ExAC 0.00002; TOPMed 0.00004.

Submission:

PreventionGenetics, part of Exact Sciences
Classification: Likely benign for ISG15-related condition. Last evaluated: 2019-07-10. Review status: no assertion criteria provided. Collection method: clinical testing. Allele origin: germline.
Comment: This variant is classified as likely benign based on ACMG/AMP sequence variant interpretation guidelines (Richards et al. 2015 PMID: 25741868, with internal and published modifications).

NM_005101.4(ISG15):c.*4C>A

Gene: ISG15 (ISG15 ubiquitin like modifier; plus strand). Cytogenetic location: 1p36.33.
Variant type: single nucleotide variant.
Coding change: c.*4C>A on transcript NM_005101.4 (MANE Select); 4 bases downstream of the stop codon, C replaced by A.
Molecular consequence: 3 prime UTR variant.
Genome position (GRCh38, 1-based): chr1:1,014,482, C>A. VCF-style: chr1-1014482-C-A. GRCh37 (hg19) VCF-style: chr1-949862-C-A.
Identifiers: ClinVar variation 3050573 (VCV003050573.2), dbSNP rs763176016, ClinGen allele CA507737.